The following is an entry in ClinVar:

ClinVar aggregate classification (germline): Benign/Likely benign. Review status: criteria provided, multiple submitters, no conflicts (2 of 4 stars). 5 submissions from 5 submitters: Benign (1); Likely benign (4). Last evaluated 2025-02-14.

Conditions:
Hereditary cancer-predisposing syndrome. Also called: Tumor predisposition; Hereditary Cancer Syndrome; Neoplastic Syndromes, Hereditary; Hereditary neoplastic syndrome. Identifiers: Orphanet 140162, MedGen C0027672, MeSH D009386, MONDO:0015356.
Fanconi anemia complementation group O. Also called: RAD51C-Related Fanconi Anemia. Identifiers: Orphanet 84, MedGen C3150653, MONDO:0013248, OMIM 613390.
Breast-ovarian cancer, familial, susceptibility to, 3. Also called: RAD51C-Related Breast/Ovarian Cancer. Identifiers: Orphanet 145, MedGen C3150659, MONDO:0013253, OMIM 613399.

Submissions (5):

Myriad Genetics, Inc.
Classification: Benign for Breast-ovarian cancer, familial, susceptibility to, 3. Last evaluated: 2025-02-14. Review status: criteria provided, single submitter. Criteria: Myriad Autosomal Dominant, Autosomal Recessive and X-Linked Classification Criteria (2023). Collection method: clinical testing. Allele origin: unknown.
Comment: This variant is considered benign. This variant is a silent/synonymous amino acid change and it is not expected to impact splicing.

Labcorp Genetics (formerly Invitae), Labcorp
Classification: Likely benign for Fanconi anemia complementation group O. Last evaluated: 2025-01-30. Review status: criteria provided, single submitter. Criteria: Invitae Variant Classification Sherloc (09022015). Collection method: clinical testing. Allele origin: germline.

Department of Pathology and Laboratory Medicine, Sinai Health System
Classification: Likely benign for Breast-ovarian cancer, familial, susceptibility to, 3. Last evaluated: 2023-06-27. Review status: criteria provided, single submitter. Criteria: ACMG Guidelines, 2015. Collection method: clinical testing. Allele origin: germline. Affected: yes.

Color Diagnostics, LLC DBA Color Health
Classification: Likely benign for Hereditary cancer-predisposing syndrome. Last evaluated: 2023-02-15. Review status: criteria provided, single submitter. Criteria: ACMG Guidelines, 2015. Collection method: clinical testing. Allele origin: germline.

Ambry Genetics
Classification: Likely benign for Hereditary cancer-predisposing syndrome. Last evaluated: 2019-10-30. Review status: criteria provided, single submitter. Criteria: Ambry Variant Classification Scheme 2023. Collection method: clinical testing. Allele origin: germline.

NM_058216.3(RAD51C):c.400T>C (p.Leu134=)

Gene: RAD51C (RAD51 paralog C; plus strand). Cytogenetic location: 17q22.
Variant type: single nucleotide variant.
Coding change: c.400T>C on transcript NM_058216.3 (MANE Select); coding-DNA position 400, T replaced by C.
Protein change: p.Leu134=; no amino-acid change (leucine 134 retained).
Molecular consequence: synonymous variant. On other transcripts: non-coding transcript variant (2).
Genome position (GRCh38, 1-based): chr17:58,695,185, T>C. VCF-style: chr17-58695185-T-C. GRCh37 (hg19) VCF-style: chr17-56772546-T-C.
Other names: c.400T>C, p.Leu134= (NM_002876.4).
Identifiers: ClinVar variation 215956 (VCV000215956.17), dbSNP rs863224435, ClinGen allele CA337874.